The following is an entry in ClinVar:

NM_005419.4(STAT2):c.514G>A (p.Val172Ile)

Gene: STAT2 (signal transducer and activator of transcription 2; minus strand). Cytogenetic location: 12q13.3.
Variant type: single nucleotide variant.
Coding change: c.514G>A on transcript NM_005419.4 (MANE Select); coding-DNA position 514, G replaced by A.
Protein change: p.Val172Ile; replaces valine 172 with isoleucine.
Molecular consequence: missense variant.
Genome position (GRCh38, 1-based): chr12:56,355,309, C>T on the plus strand (G>A on the coding strand, the complement: STAT2 is on the minus strand). VCF-style: chr12-56355309-C-T. GRCh37 (hg19) VCF-style: chr12-56749093-C-T.
Other names: c.502G>A, p.Val168Ile (NM_001385110.1, NM_001385115.1, NM_198332.2); c.514G>A, p.Val172Ile (NM_001385111.1, NM_001385113.1, NM_001385114.1); short protein forms V172I, V168I.
Identifiers: ClinVar variation 2200015 (VCV002200015.1), dbSNP rs945706789, ClinGen allele CA237655057.
Genomic context (GRCh38, chr12:56,355,309, plus strand): 5'-TCTCCAGCCCCTCAATGTGCTTCCTACCTTTGGCCTGGATCTTATATCGGAAGCAGAAGA[C>T]ATCCTGCTGGTCTTTCAGTTGGCTGATGGATTTTACCAGCTTCTGCAGAGGGGAGAGGAC-3'
Protein context (NP_005410.1, residues 162-182): SISQLKDQQD[Val172Ile]FCFRYKIQAK

ClinVar aggregate classification (germline): Uncertain significance (1 of 4 stars; one submission).

Conditions:
Primary immunodeficiency with post-measles-mumps-rubella vaccine viral infection. Also called: Immunodeficiency 44. Identifiers: Orphanet 431166, MedGen C4225260, MONDO:0014715, OMIM 616636.

Allele frequency attached by ClinVar (database versions not stated): gnomAD exomes below 0.00001; gnomAD 0.00003; TOPMed 0.00005.
gnomAD v4.1: 8 of 1,614,100 alleles (0.0005%); highest among the groups gnomAD compares: African/African-American, 0.0093%; no homozygotes.

Submission:

Labcorp Genetics (formerly Invitae), Labcorp
Classification: Uncertain significance for Primary immunodeficiency with post-measles-mumps-rubella vaccine viral infection. Last evaluated: 2022-09-27. Review status: criteria provided, single submitter. Criteria: Invitae Variant Classification Sherloc (09022015). Collection method: clinical testing. Allele origin: germline.
Comment: This sequence change replaces valine, which is neutral and non-polar, with isoleucine, which is neutral and non-polar, at codon 172 of the STAT2 protein (p.Val172Ile). This variant is present in population databases (no rsID available, gnomAD 0.01%). This variant has not been reported in the literature in individuals affected with STAT2-related conditions. Advanced modeling of protein sequence and biophysical properties (such as structural, functional, and spatial information, amino acid conservation, physicochemical variation, residue mobility, and thermodynamic stability) performed at Invitae indicates that this missense variant is not expected to disrupt STAT2 protein function. In summary, the available evidence is currently insufficient to determine the role of this variant in disease. Therefore, it has been classified as a Variant of Uncertain Significance.